The following is an entry in ClinVar:

NM_001164665.2(KIAA1549):c.1304C>T (p.Thr435Met)

Gene: KIAA1549 (KIAA1549; minus strand). Cytogenetic location: 7q34.
Variant type: single nucleotide variant.
Coding change: c.1304C>T on transcript NM_001164665.2 (MANE Select); coding-DNA position 1304, C replaced by T.
Protein change: p.Thr435Met; replaces threonine 435 with methionine.
Molecular consequence: missense variant.
Genome position (GRCh38, 1-based): chr7:138,918,322, G>A on the plus strand (C>T on the coding strand, the complement: KIAA1549 is on the minus strand). VCF-style: chr7-138918322-G-A. GRCh37 (hg19) VCF-style: chr7-138603068-G-A.
Other names: c.1304C>T, p.Thr435Met (NM_020910.3); short protein forms T435M.
Identifiers: ClinVar variation 841434 (VCV000841434.7), dbSNP rs368659824, ClinGen allele CA4506759.

ClinVar aggregate classification (germline): Uncertain significance. Review status: criteria provided, multiple submitters, no conflicts (2 of 4 stars). 2 submissions from 2 submitters: Uncertain significance (2). Last evaluated 2024-01-04.

Allele frequency attached by ClinVar (database versions not stated): gnomAD exomes 0.00003 and 0.00009; gnomAD 0.00004; ExAC 0.00007; ESP Exome Variant Server 0.00008; TOPMed 0.00011.

Submissions (2):

Blueprint Genetics
Classification: Uncertain significance. Last evaluated: 2024-01-04. Review status: criteria provided, single submitter. Criteria: ACMG Guidelines, 2015. Collection method: clinical testing. Allele origin: germline.

Labcorp Genetics (formerly Invitae), Labcorp
Classification: Uncertain significance. Last evaluated: 2023-10-06. Review status: criteria provided, single submitter. Criteria: Invitae Variant Classification Sherloc (09022015). Collection method: clinical testing. Allele origin: germline.
Comment: This sequence change replaces threonine, which is neutral and polar, with methionine, which is neutral and non-polar, at codon 435 of the KIAA1549 protein (p.Thr435Met). This variant is present in population databases (rs368659824, gnomAD 0.08%). This missense change has been observed in individual(s) with retinitis pigmentosa (PMID: 24938718). ClinVar contains an entry for this variant (Variation ID: 841434). An algorithm developed to predict the effect of missense changes on protein structure and function (PolyPhen-2) suggests that this variant is likely to be disruptive. In summary, the available evidence is currently insufficient to determine the role of this variant in disease. Therefore, it has been classified as a Variant of Uncertain Significance.

Literature cited by the submitters: PubMed 24938718 (cited by Labcorp Genetics (formerly Invitae), Labcorp).